The following is an entry in ClinVar:

ClinVar aggregate classification (germline): Benign. Review status: criteria provided, multiple submitters, no conflicts (2 of 4 stars). 8 submissions from 7 submitters: Benign (7). 1 of the submissions does not count toward it. Last evaluated 2026-02-01.

Conditions:
Autosomal recessive ataxia, Beauce type. Also called: Spinocerebellar ataxia, autosomal recessive 8; ATAXIA, RECESSIVE, OF BEAUCE; SYNE1-Related Autosomal Recessive Cerebellar Ataxia; SYNE1 Deficiency. Identifiers: Orphanet 88644, MedGen C1853116, MONDO:0012549, OMIM 610743.
Emery-Dreifuss muscular dystrophy 4, autosomal dominant (EDMD4). Also called: EMERY-DREIFUSS MUSCULAR DYSTROPHY 4 WITH VARIABLE FEATURES. Identifiers: Orphanet 261, MedGen C2751807, MONDO:0013071, OMIM 612998.

Allele frequency attached by ClinVar (database versions not stated): TOPMed 0.00796; gnomAD 0.00898 and 0.01093; 1000 Genomes Project 0.03315; ESP Exome Variant Server 0.00115; ExAC 0.01761; 1000 Genomes Project 30x 0.03029.
gnomAD v4.1: 13,585 of 1,614,110 alleles (0.84%); highest among the groups gnomAD compares: East Asian, 11%; 518 homozygotes.

Submissions (8):

Labcorp Genetics (formerly Invitae), Labcorp
Classification: Benign for Emery-Dreifuss muscular dystrophy 4, autosomal dominant; Autosomal recessive ataxia, Beauce type. Last evaluated: 2026-02-01. Review status: criteria provided, single submitter. Criteria: Invitae Variant Classification Sherloc (09022015). Collection method: clinical testing. Allele origin: germline.

Athena Diagnostics
Classification: Benign. Last evaluated: 2024-07-05. Review status: criteria provided, single submitter. Criteria: Athena Diagnostics Criteria. Collection method: clinical testing. Allele origin: unknown.

Mayo Clinic Laboratories, Mayo Clinic
Classification: Benign. Last evaluated: 2018-03-02. Review status: criteria provided, single submitter. Criteria: ACMG Guidelines, 2015. Collection method: clinical testing. Allele origin: germline. Observed: 12 variant alleles.

Illumina Laboratory Services, Illumina
Classification: Benign for Autosomal recessive ataxia, Beauce type. Last evaluated: 2018-01-12. Review status: criteria provided, single submitter. Criteria: ICSL Variant Classification Criteria 13 December 2019. Collection method: clinical testing. Allele origin: germline.
Comment: This variant was observed in the ICSL laboratory as part of a predisposition screen in an ostensibly healthy population. It had not been previously curated by ICSL or reported in the Human Gene Mutation Database (HGMD: prior to June 1st, 2018), and was therefore a candidate for classification through an automated scoring system. Utilizing variant allele frequency, disease prevalence and penetrance estimates, and inheritance mode, an automated score was calculated to assess if this variant is too frequent to cause the disease. Based on the score and internal cut-off values, a variant classified as benign is not then subjected to further curation. The score for this variant resulted in a classification of benign for this disease.

Illumina Laboratory Services, Illumina
Classification: Benign for Emery-Dreifuss muscular dystrophy 4, autosomal dominant. Last evaluated: 2018-01-12. Review status: criteria provided, single submitter. Criteria: ICSL Variant Classification Criteria 13 December 2019. Collection method: clinical testing. Allele origin: germline.
Comment: the same text as in the submission from Illumina Laboratory Services, Illumina above.

GeneDx
Classification: Benign. Last evaluated: 2016-08-08. Review status: criteria provided, single submitter. Criteria: GeneDx Variant Classification (06012015). Collection method: clinical testing. Allele origin: germline. Affected: yes.
Comment: This variant is considered likely benign or benign based on one or more of the following criteria: it is a conservative change, it occurs at a poorly conserved position in the protein, it is predicted to be benign by multiple in silico algorithms, and/or has population frequency not consistent with disease.

Eurofins Ntd Llc (ga)
Classification: Benign. Last evaluated: 2015-02-05. Review status: criteria provided, single submitter. Criteria: EGL Classification Definitions 2015. Collection method: clinical testing. Allele origin: germline. Observed: 1 variant allele, 1 homozygote.

Genetic Services Laboratory, University of Chicago
Classification: Likely benign for AllHighlyPenetrant. Review status: no assertion criteria provided. Collection method: clinical testing. Allele origin: germline. Inheritance: Autosomal dominant inheritance. Not counted in ClinVar's aggregate classification.
Comment: Likely benign based on allele frequency in 1000 Genomes Project or ESP global frequency and its presence in a patient with a rare or unrelated disease phenotype. NOT Sanger confirmed.

NM_182961.4(SYNE1):c.26209G>A (p.Gly8737Ser)

Genes: ESR1 (estrogen receptor 1; plus strand), SYNE1 (spectrin repeat containing nuclear envelope protein 1; minus strand). Cytogenetic location: 6q25.2.
Variant type: single nucleotide variant.
Coding change: c.26209G>A on transcript NM_182961.4 (MANE Select); coding-DNA position 26209, G replaced by A.
Protein change: p.Gly8737Ser; replaces glycine 8737 with serine.
Molecular consequence: missense variant. On other transcripts: 3 prime UTR variant (1), intron variant (1).
Genome position (GRCh38, 1-based): chr6:152,122,621, C>T on the plus strand (G>A on the coding strand, the complement: SYNE1 is on the minus strand). VCF-style: chr6-152122621-C-T. GRCh37 (hg19) VCF-style: chr6-152443756-C-T.
Other names: p.Gly8689Ser; c.*20G>A (NM_001347701.2); c.2743G>A, p.Gly915Ser (NM_001347702.2); c.26065G>A, p.Gly8689Ser (NM_033071.5); c.851-2645C>T (NM_001328100.2); short protein forms G8689S, G8737S, G915S.
Identifiers: ClinVar variation 130435 (VCV000130435.24), dbSNP rs2295191, ClinGen allele CA155449.